The following is an entry in ClinVar:

ClinVar aggregate classification (germline): Likely pathogenic. Review status: criteria provided, multiple submitters, no conflicts (2 of 4 stars). 2 submissions from 2 submitters: Likely pathogenic (2). Last evaluated 2022-09-02.

Conditions:
Intellectual disability. Also called: intellectual disabilities; Intellectual functioning disability; Intellectual developmental disorder. Identifiers: MedGen C3714756, MeSH D008607, MONDO:0001071, HP:0001249.

Submissions (2):

GeneDx
Classification: Likely pathogenic. Last evaluated: 2022-09-02. Review status: criteria provided, single submitter. Criteria: GeneDx Variant Classification Process June 2021. Collection method: clinical testing. Allele origin: germline. Affected: yes.
Comment: Not observed at significant frequency in large population cohorts (gnomAD); In silico analysis supports that this missense variant has a deleterious effect on protein structure/function; Has not been previously published as pathogenic or benign to our knowledge

Cambridge Genomics Laboratory, East Genomic Laboratory Hub, NHS Genomic Medicine Service
Classification: Likely pathogenic for Intellectual disability. Last evaluated: 2020-07-13. Review status: criteria provided, single submitter. Criteria: ACGS Best Practice Guidelines for Variant Classification in Rare Disease 2020. Collection method: clinical testing. Allele origin: germline. Affected: yes. Observed: 1 variant allele.

NM_014795.4(ZEB2):c.3178T>C (p.Cys1060Arg)

Gene: ZEB2 (zinc finger E-box binding homeobox 2; minus strand). Cytogenetic location: 2q22.3.
Variant type: single nucleotide variant.
Coding change: c.3178T>C on transcript NM_014795.4 (MANE Select); coding-DNA position 3178, T replaced by C.
Protein change: p.Cys1060Arg; replaces cysteine 1060 with arginine.
Molecular consequence: missense variant.
Genome position (GRCh38, 1-based): chr2:144,389,918, A>G on the plus strand (T>C on the coding strand, the complement: ZEB2 is on the minus strand). VCF-style: chr2-144389918-A-G. GRCh37 (hg19) VCF-style: chr2-145147485-A-G.
Other names: c.3106T>C, p.Cys1036Arg (NM_001171653.2); short protein forms C1036R, C1060R.
Identifiers: ClinVar variation 1331326 (VCV001331326.4), dbSNP rs2149872651, ClinGen allele CA348700625.
Genomic context (GRCh38, chr2:144,389,918, plus strand): 5'-AGGAATACCTGTGATTCATGTGCTGCGAGTACGAGCCCGAGTGTGAGAAGCGCTTGCCAC[A>G]TTTATCACACTGATAGGGCTTCTCGCCCGAGTGAAGCCTTGAGTGCTCGATAAGGTGGTG-3'
Protein context (NP_055610.1, residues 1050-1070): SGEKPYQCDK[Cys1060Arg]GKRFSHSGSY